The following is an entry in ClinVar:

ClinVar aggregate classification (germline): Pathogenic. Review status: criteria provided, single submitter (1 of 4 stars). 2 submissions from 2 submitters: Pathogenic (1). 1 of the submissions does not count toward it. Last evaluated 2023-03-16.

Conditions:
Curry-Hall syndrome (WAD). Also called: WEYERS ACRODENTAL DYSOSTOSIS. Identifiers: Orphanet 952, MedGen C0457013, MONDO:0008673, OMIM 193530.
Ellis-van Creveld syndrome (EVC). Also called: Chondroectodermal dysplasia; EVC-Related Ellis-van Creveld Syndrome; EVC2-Related Ellis-van Creveld Syndrome; MESOECTODERMAL DYSPLASIA. Identifiers: Orphanet 289, MedGen C0013903, MONDO:0009162, OMIM 225500.

Allele frequency attached by ClinVar (database versions not stated): TOPMed 0.00002.
gnomAD v4.1: 7 of 1,550,682 alleles (0.00045%); highest among the groups gnomAD compares: East Asian, 0.0024%; no homozygotes.

Submissions (2):

Labcorp Genetics (formerly Invitae), Labcorp
Classification: Pathogenic for Curry-Hall syndrome; Ellis-van Creveld syndrome. Last evaluated: 2023-03-16. Review status: criteria provided, single submitter. Criteria: Invitae Variant Classification Sherloc (09022015). Collection method: clinical testing. Allele origin: germline.
Comment: For these reasons, this variant has been classified as Pathogenic. ClinVar contains an entry for this variant (Variation ID: 933487). This premature translational stop signal has been observed in individual(s) with Ellis-van Creveld syndrome (PMID: 22190900). This variant is present in population databases (no rsID available, gnomAD 0.06%). This sequence change creates a premature translational stop signal (p.Arg622*) in the EVC gene. It is expected to result in an absent or disrupted protein product. Loss-of-function variants in EVC are known to be pathogenic (PMID: 23220543).

Natera, Inc.
Classification: Pathogenic for Ellis-van Creveld syndrome. Last evaluated: 2020-12-09. Review status: no assertion criteria provided. Collection method: clinical testing. Allele origin: germline. Not counted in ClinVar's aggregate classification.

Literature cited by the submitters: PubMed 22190900 (cited by Labcorp Genetics (formerly Invitae), Labcorp); PubMed 23220543 (cited by Labcorp Genetics (formerly Invitae), Labcorp).

NM_153717.3(EVC):c.1864C>T (p.Arg622Ter)

Gene: EVC (EvC ciliary complex subunit 1; plus strand). Cytogenetic location: 4p16.2.
Variant type: single nucleotide variant.
Coding change: c.1864C>T on transcript NM_153717.3 (MANE Select); coding-DNA position 1864, C replaced by T.
Protein change: p.Arg622Ter; replaces arginine 622 with a stop codon.
Molecular consequence: nonsense.
Genome position (GRCh38, 1-based): chr4:5,793,695, C>T. VCF-style: chr4-5793695-C-T. GRCh37 (hg19) VCF-style: chr4-5795422-C-T.
Other names: c.1864C>T, p.Arg622Ter (NM_001306090.2); short protein forms R622*.
Identifiers: ClinVar variation 933487 (VCV000933487.11), dbSNP rs1329006994, ClinGen allele CA090952.